The following is an entry in ClinVar:

NM_177438.3(DICER1):c.1256A>G (p.Asp419Gly)

Gene: DICER1 (dicer 1, ribonuclease III; minus strand). Cytogenetic location: 14q32.13.
Variant type: single nucleotide variant.
Coding change: c.1256A>G on transcript NM_177438.3 (MANE Select); coding-DNA position 1256, A replaced by G.
Protein change: p.Asp419Gly; replaces aspartic acid 419 with glycine.
Molecular consequence: missense variant.
Genome position (GRCh38, 1-based): chr14:95,124,316, T>C on the plus strand (A>G on the coding strand, the complement: DICER1 is on the minus strand). VCF-style: chr14-95124316-T-C. GRCh37 (hg19) VCF-style: chr14-95590653-T-C.
Other names: c.1256A>G, p.Asp419Gly (NM_001195573.1, NM_001271282.3, NM_001291628.2 and 1 more transcripts); short protein forms D419G.
Identifiers: ClinVar variation 412111 (VCV000412111.11), dbSNP rs1060503623, ClinGen allele CA16614704.

ClinVar aggregate classification (germline): Uncertain significance (1 of 4 stars; one submission).

Conditions:
DICER1-related tumor predisposition. Also called: DICER1-related pleuropulmonary blastoma cancer predisposition syndrome; DICER1 syndrome. Identifiers: Orphanet 284343, MedGen C3839822, MONDO:0100216.

Allele frequency attached by ClinVar (database versions not stated): gnomAD exomes below 0.00001.
gnomAD v4.1: 1 of 1,613,974 alleles (0.000062%); highest among the groups gnomAD compares: Non-Finnish European, 0.000085%; no homozygotes.

Submission:

Labcorp Genetics (formerly Invitae), Labcorp
Classification: Uncertain significance for DICER1-related tumor predisposition. Last evaluated: 2024-07-18. Review status: criteria provided, single submitter. Criteria: Invitae Variant Classification Sherloc (09022015). Collection method: clinical testing. Allele origin: germline.
Comment: This sequence change replaces aspartic acid, which is acidic and polar, with glycine, which is neutral and non-polar, at codon 419 of the DICER1 protein (p.Asp419Gly). This variant is not present in population databases (gnomAD no frequency). This variant has not been reported in the literature in individuals affected with DICER1-related conditions. ClinVar contains an entry for this variant (Variation ID: 412111). An algorithm developed to predict the effect of missense changes on protein structure and function (PolyPhen-2) suggests that this variant is likely to be tolerated. In summary, the available evidence is currently insufficient to determine the role of this variant in disease. Therefore, it has been classified as a Variant of Uncertain Significance.